The following is an entry in ClinVar:

ClinVar aggregate classification (germline): Likely pathogenic (1 of 4 stars; one submission).

Conditions:
Rhizomelic limb shortening with dysmorphic features. Identifiers: MedGen C5394173, MONDO:0032935, OMIM 618821.

gnomAD v4.1: 2 of 1,129,242 alleles (0.00018%); highest among the groups gnomAD compares: Non-Finnish European, 0.00022%; no homozygotes.

Submission:

Juno Genomics, Hangzhou Juno Genomics, Inc
Classification: Likely pathogenic for Rhizomelic limb shortening with dysmorphic features. Review status: criteria provided, single submitter. Criteria: ACMG Guidelines, 2015. Collection method: clinical testing. Allele origin: germline.
Comment: Null variant in a gene where loss of function (LOF) is a known mechanism of disease.;Absent from controls (or at extremely low frequency if recessive) in Genome Aggregation Database.

NM_138370.3(PKDCC):c.311G>A (p.Trp104Ter)

Gene: PKDCC (protein kinase domain containing, cytoplasmic; plus strand). Cytogenetic location: 2p21.
Variant type: single nucleotide variant.
Coding change: c.311G>A on transcript NM_138370.3 (MANE Select); coding-DNA position 311, G replaced by A.
Protein change: p.Trp104Ter; replaces tryptophan 104 with a stop codon.
Molecular consequence: nonsense.
Genome position (GRCh38, 1-based): chr2:42,048,510, G>A. VCF-style: chr2-42048510-G-A. GRCh37 (hg19) VCF-style: chr2-42275650-G-A.
Other names: short protein forms W104*.
Identifiers: ClinVar variation 5006289 (VCV005006289.2).